The following is an entry in ClinVar:

NM_014023.4(WDR37):c.1474C>T (p.Gln492Ter)

Gene: WDR37 (WD repeat domain 37; plus strand). Cytogenetic location: 10p15.3.
Variant type: single nucleotide variant.
Coding change: c.1474C>T on transcript NM_014023.4 (MANE Select); coding-DNA position 1474, C replaced by T.
Protein change: p.Gln492Ter; replaces glutamine 492 with a stop codon.
Molecular consequence: nonsense.
Genome position (GRCh38, 1-based): chr10:1,129,333, C>T. VCF-style: chr10-1129333-C-T. GRCh37 (hg19) VCF-style: chr10-1175273-C-T.
Other names: short protein forms Q492*.
Identifiers: ClinVar variation 3338581 (VCV003338581.1).

ClinVar aggregate classification (germline): Uncertain significance (1 of 4 stars; one submission).

Submission:

Greenwood Genetic Center Diagnostic Laboratories, Greenwood Genetic Center
Classification: Uncertain significance. Last evaluated: 2024-06-28. Review status: criteria provided, single submitter. Criteria: ACMG Guidelines, 2015. Collection method: clinical testing. Allele origin: germline. Affected: yes.
Comment: PM2